The following is an entry in ClinVar:

ClinVar aggregate classification (germline): Uncertain significance (1 of 4 stars; one submission).

Conditions:
Familial thoracic aortic aneurysm and aortic dissection (TAAD). Also called: Thoracic aortic aneurysms and dissections. Identifiers: Orphanet 91387, MedGen C4707243, MONDO:0019625.

Submission:

Color Diagnostics, LLC DBA Color Health
Classification: Uncertain significance for Familial thoracic aortic aneurysm and aortic dissection. Last evaluated: 2023-12-04. Review status: criteria provided, single submitter. Criteria: ACMG Guidelines, 2015. Collection method: clinical testing. Allele origin: germline.
Comment: This missense variant replaces glutamic acid with lysine at codon 2746 of the FBN1 protein. Computational prediction suggests that this variant may not impact protein structure and function (internally defined REVEL score threshold <= 0.5, PMID: 27666373). To our knowledge, functional studies have not been reported for this variant. This variant has not been reported in individuals affected with FBN1-related disorders in the literature. This variant has not been identified in the general population by the Genome Aggregation Database (gnomAD). The available evidence is insufficient to determine the role of this variant in disease conclusively. Therefore, this variant is classified as a Variant of Uncertain Significance.

NM_000138.5(FBN1):c.8236G>A (p.Glu2746Lys)

Gene: FBN1 (fibrillin 1; minus strand). Cytogenetic location: 15q21.1.
Variant type: single nucleotide variant.
Coding change: c.8236G>A on transcript NM_000138.5 (MANE Select); coding-DNA position 8236, G replaced by A.
Protein change: p.Glu2746Lys; replaces glutamic acid 2746 with lysine.
Molecular consequence: missense variant.
Genome position (GRCh38, 1-based): chr15:48,411,370, C>T on the plus strand (G>A on the coding strand, the complement: FBN1 is on the minus strand). VCF-style: chr15-48411370-C-T. GRCh37 (hg19) VCF-style: chr15-48703567-C-T.
Other names: short protein forms E2746K.
Identifiers: ClinVar variation 921320 (VCV000921320.4), dbSNP rs2042862302, ClinGen allele CA392320199.